The following is an entry in ClinVar:

NM_018406.7(MUC4):c.3688G>A (p.Ala1230Thr)

Gene: MUC4 (mucin 4, cell surface associated). Cytogenetic location: 3q29.
Variant type: single nucleotide variant.
Coding change: c.3688G>A on transcript NM_018406.7 (MANE Select); coding-DNA position 3688, G replaced by A.
Protein change: p.Ala1230Thr; replaces alanine 1230 with threonine.
Molecular consequence: missense variant. On other transcripts: genic upstream transcript variant (2).
Genome position (GRCh38, 1-based): chr3:195,787,892, C>T on the plus strand (G>A on the coding strand, the complement: MUC4 is on the minus strand). VCF-style: chr3-195787892-C-T. GRCh37 (hg19) VCF-style: chr3-195514763-C-T.
Other names: c.4519G>A, p.Ala1507Thr (NM_001322468.1); c.83-13587G>A (NM_138297.5); c.83-9437G>A (NM_004532.6); short protein forms A1230T, A1507T.
Identifiers: ClinVar variation 2654479 (VCV002654479.24), dbSNP rs766803118, ClinGen allele CA2774480.
Genomic context (GRCh38, chr3:195,787,892, plus strand): 5'-GAAGAGGGGTGGTGTGACCTGTGGATGCTGCGGAAGGGATGGTTACAGGAAGAGAGGTGG[C>T]GTGATCTGTGGACACTGAGGAAGCGTCGGTGACAGGAAGAGGGGTGGCGTGTCCTGTGGA-3'
Protein context (NP_060876.5, residues 1220-1240): TDASSVSTDH[Ala1230Thr]TSLPVTIPSA

ClinVar aggregate classification (germline): Likely benign (1 of 4 stars; one submission).

Submission:

CeGaT Center for Human Genetics Tuebingen
Classification: Likely benign. Last evaluated: 2023-04-01. Review status: criteria provided, single submitter. Criteria: CeGaT Center For Human Genetics Tuebingen Variant Classification Criteria Version 2. Collection method: clinical testing. Allele origin: germline. Affected: yes. Observed: 1 variant allele.
Comment: MUC4: BP4, BS2